The following is an entry in ClinVar:

NM_001177701.3(IFT27):c.359T>C (p.Leu120Ser)

Genes: CACNG2-DT (CACNG2 divergent transcript; plus strand), IFT27 (intraflagellar transport 27; minus strand). Cytogenetic location: 22q12.3.
Variant type: single nucleotide variant.
Coding change: c.359T>C on transcript NM_001177701.3 (MANE Select); coding-DNA position 359, T replaced by C.
Protein change: p.Leu120Ser; replaces leucine 120 with serine.
Molecular consequence: missense variant.
Genome position (GRCh38, 1-based): chr22:36,763,007, A>G on the plus strand (T>C on the coding strand, the complement: IFT27 is on the minus strand). VCF-style: chr22-36763007-A-G. GRCh37 (hg19) VCF-style: chr22-37159051-A-G.
Other names: c.359T>C, p.Leu120Ser (NM_001363003.2); c.356T>C, p.Leu119Ser (NM_006860.5); short protein forms L119S, L120S.
Identifiers: ClinVar variation 955725 (VCV000955725.9), dbSNP rs1938138398, ClinGen allele CA411382127.

ClinVar aggregate classification (germline): Uncertain significance (1 of 4 stars; one submission).

Allele frequency attached by ClinVar (database versions not stated): gnomAD exomes below 0.00001.
gnomAD v4.1: 1 of 1,597,342 alleles (0.000063%); highest among the groups gnomAD compares: South Asian, 0.0011%; no homozygotes.

Submission:

Labcorp Genetics (formerly Invitae), Labcorp
Classification: Uncertain significance. Last evaluated: 2019-09-20. Review status: criteria provided, single submitter. Criteria: Invitae Variant Classification Sherloc (09022015). Collection method: clinical testing. Allele origin: germline.
Comment: In summary, the available evidence is currently insufficient to determine the role of this variant in disease. Therefore, it has been classified as a Variant of Uncertain Significance. Algorithms developed to predict the effect of missense changes on protein structure and function (SIFT, PolyPhen-2, Align-GVGD) all suggest that this variant is likely to be disruptive, but these predictions have not been confirmed by published functional studies and their clinical significance is uncertain. This variant has not been reported in the literature in individuals with IFT27-related conditions. This variant is not present in population databases (ExAC no frequency). This sequence change replaces leucine with serine at codon 119 of the IFT27 protein (p.Leu119Ser). The leucine residue is highly conserved and there is a large physicochemical difference between leucine and serine.